The following is an entry in ClinVar:

NM_001378452.1(ITPR1):c.3379C>G (p.Gln1127Glu)

Gene: ITPR1 (inositol 1,4,5-trisphosphate receptor type 1; plus strand). Cytogenetic location: 3p26.1.
Variant type: single nucleotide variant.
Coding change: c.3379C>G on transcript NM_001378452.1 (MANE Select); coding-DNA position 3379, C replaced by G.
Protein change: p.Gln1127Glu; replaces glutamine 1127 with glutamic acid.
Molecular consequence: missense variant.
Genome position (GRCh38, 1-based): chr3:4,683,679, C>G. VCF-style: chr3-4683679-C-G. GRCh37 (hg19) VCF-style: chr3-4725363-C-G.
Other names: c.3352C>G, p.Gln1118Glu (NM_001099952.4); c.3334C>G, p.Gln1112Glu (NM_001168272.2); c.3307C>G, p.Gln1103Glu (NM_002222.7); short protein forms Q1103E, Q1112E, Q1118E, Q1127E.
Identifiers: ClinVar variation 3613905 (VCV003613905.2).

ClinVar aggregate classification (germline): Uncertain significance (1 of 4 stars; one submission).

gnomAD v4.1: 8 of 1,613,928 alleles (0.0005%); highest among the groups gnomAD compares: Non-Finnish European, 0.00059%; no homozygotes.

Submission:

Labcorp Genetics (formerly Invitae), Labcorp
Classification: Uncertain significance. Last evaluated: 2024-08-20. Review status: criteria provided, single submitter. Criteria: Invitae Variant Classification Sherloc (09022015). Collection method: clinical testing. Allele origin: germline.
Comment: This sequence change replaces glutamine, which is neutral and polar, with glutamic acid, which is acidic and polar, at codon 1103 of the ITPR1 protein (p.Gln1103Glu). This variant is not present in population databases (gnomAD no frequency). This variant has not been reported in the literature in individuals affected with ITPR1-related conditions. Invitae Evidence Modeling of protein sequence and biophysical properties (such as structural, functional, and spatial information, amino acid conservation, physicochemical variation, residue mobility, and thermodynamic stability) indicates that this missense variant is not expected to disrupt ITPR1 protein function with a negative predictive value of 95%. In summary, the available evidence is currently insufficient to determine the role of this variant in disease. Therefore, it has been classified as a Variant of Uncertain Significance.